The following is an entry in ClinVar:

ClinVar aggregate classification (germline): Uncertain significance (1 of 4 stars; one submission).

Conditions:
Charcot-Marie-Tooth disease, type I (CMT1). Also called: Charcot-Marie-Tooth disease type 1; Charcot-Marie-Tooth, Type 1. Identifiers: Orphanet 65753, MedGen C0751036, MONDO:0019011.

Submission:

Labcorp Genetics (formerly Invitae), Labcorp
Classification: Uncertain significance for Charcot-Marie-Tooth disease, type I. Last evaluated: 2024-09-24. Review status: criteria provided, single submitter. Criteria: Invitae Variant Classification Sherloc (09022015). Collection method: clinical testing. Allele origin: germline.
Comment: This sequence change replaces arginine, which is basic and polar, with glutamine, which is neutral and polar, at codon 293 of the EGR2 protein (p.Arg293Gln). This variant is not present in population databases (gnomAD no frequency). This variant has not been reported in the literature in individuals affected with EGR2-related conditions. ClinVar contains an entry for this variant (Variation ID: 1400810). Invitae Evidence Modeling of protein sequence and biophysical properties (such as structural, functional, and spatial information, amino acid conservation, physicochemical variation, residue mobility, and thermodynamic stability) indicates that this missense variant is expected to disrupt EGR2 protein function with a positive predictive value of 80%. In summary, the available evidence is currently insufficient to determine the role of this variant in disease. Therefore, it has been classified as a Variant of Uncertain Significance.

NM_000399.5(EGR2):c.878G>A (p.Arg293Gln)

Gene: EGR2 (early growth response 2; minus strand). Cytogenetic location: 10q21.3.
Variant type: single nucleotide variant.
Coding change: c.878G>A on transcript NM_000399.5 (MANE Select); coding-DNA position 878, G replaced by A.
Protein change: p.Arg293Gln; replaces arginine 293 with glutamine.
Molecular consequence: missense variant.
Genome position (GRCh38, 1-based): chr10:62,813,760, C>T on the plus strand (G>A on the coding strand, the complement: EGR2 is on the minus strand). VCF-style: chr10-62813760-C-T. GRCh37 (hg19) VCF-style: chr10-64573520-C-T.
Other names: c.878G>A, p.Arg293Gln (NM_001136177.3, NM_001136178.2); c.728G>A, p.Arg243Gln (NM_001136179.3, NM_001321037.2); short protein forms R293Q, R243Q.
Identifiers: ClinVar variation 1400810 (VCV001400810.6), dbSNP rs2132703986, ClinGen allele CA377028547.